The following is an entry in ClinVar:

NM_000211.5(ITGB2):c.1655C>T (p.Pro552Leu)

Gene: ITGB2 (integrin subunit beta 2; minus strand). Cytogenetic location: 21q22.3.
Variant type: single nucleotide variant.
Coding change: c.1655C>T on transcript NM_000211.5 (MANE Select); coding-DNA position 1655, C replaced by T.
Protein change: p.Pro552Leu; replaces proline 552 with leucine.
Molecular consequence: missense variant.
Genome position (GRCh38, 1-based): chr21:44,889,980, G>A on the plus strand (C>T on the coding strand, the complement: ITGB2 is on the minus strand). VCF-style: chr21-44889980-G-A. GRCh37 (hg19) VCF-style: chr21-46309895-G-A.
Other names: c.1655C>T, p.Pro552Leu (NM_001127491.3); c.1448C>T, p.Pro483Leu (NM_001303238.2); c.1655C>T (NM_000211.3); short protein forms P483L, P552L.
Identifiers: ClinVar variation 1442756 (VCV001442756.6), dbSNP rs201000019, ClinGen allele CA10062764.

ClinVar aggregate classification (germline): Uncertain significance. Review status: criteria provided, multiple submitters, no conflicts (2 of 4 stars). 2 submissions from 2 submitters: Uncertain significance (2). Last evaluated 2021-12-03.

Conditions:
Leukocyte adhesion deficiency 1 (LAD1). Also called: LEUKOCYTE ADHESION DEFICIENCY, TYPE I; LAD 1; Lymphocyte function-associated antigen 1 immunodeficiency; LFA 1 immunodeficiency. Identifiers: Orphanet 2968, Orphanet 99842, MedGen C0398738, MONDO:0007293, OMIM 116920.
Inborn genetic diseases. Identifiers: MedGen C0950123, MeSH D030342.

Allele frequency attached by ClinVar (database versions not stated): gnomAD 0.00002; TOPMed 0.00003; gnomAD exomes 0.00004; ExAC 0.00006; ESP Exome Variant Server 0.00008.

Submissions (2):

Ambry Genetics
Classification: Uncertain significance for Inborn genetic diseases. Last evaluated: 2021-12-03. Review status: criteria provided, single submitter. Criteria: Ambry Variant Classification Scheme 2023. Collection method: clinical testing. Allele origin: germline.

Labcorp Genetics (formerly Invitae), Labcorp
Classification: Uncertain significance for Leukocyte adhesion deficiency 1. Last evaluated: 2021-09-01. Review status: criteria provided, single submitter. Criteria: Invitae Variant Classification Sherloc (09022015). Collection method: clinical testing. Allele origin: germline.
Comment: This sequence change replaces proline with leucine at codon 552 of the ITGB2 protein (p.Pro552Leu). The proline residue is weakly conserved and there is a moderate physicochemical difference between proline and leucine. This variant is present in population databases (rs201000019, ExAC 0.02%). This variant has not been reported in the literature in individuals affected with ITGB2-related conditions. Algorithms developed to predict the effect of missense changes on protein structure and function output the following: SIFT: "Tolerated"; PolyPhen-2: "Benign"; Align-GVGD: "Class C0". The leucine amino acid residue is found in multiple mammalian species, which suggests that this missense change does not adversely affect protein function. In summary, the available evidence is currently insufficient to determine the role of this variant in disease. Therefore, it has been classified as a Variant of Uncertain Significance.